The following is an entry in ClinVar:

ClinVar aggregate classification (germline): Pathogenic. Review status: criteria provided, multiple submitters, no conflicts (2 of 4 stars). 2 submissions from 2 submitters: Pathogenic (2). Last evaluated 2025-04-01.

Conditions:
Hereditary cancer-predisposing syndrome. Also called: Tumor predisposition; Neoplastic Syndromes, Hereditary; Hereditary Cancer Syndrome; Hereditary neoplastic syndrome. Identifiers: Orphanet 140162, MedGen C0027672, MeSH D009386, MONDO:0015356.
Cardiovascular phenotype. Identifiers: MedGen CN230736.

Submissions (2):

Ambry Genetics
Classification: Pathogenic for Cardiovascular phenotype; Hereditary cancer-predisposing syndrome. Last evaluated: 2025-04-01. Review status: criteria provided, single submitter. Criteria: Ambry Variant Classification Scheme 2023. Collection method: clinical testing. Allele origin: germline.
Comment: The c.849dupG pathogenic mutation, located in coding exon 9 of the LZTR1 gene, results from a duplication of G at nucleotide position 849, causing a translational frameshift with a predicted alternate stop codon (p.R284Afs*10). This variant is considered to be rare based on population cohorts in the Genome Aggregation Database (gnomAD). This alteration is expected to result in loss of function by premature protein truncation or nonsense-mediated mRNA decay. Loss-of-function variants in LZTR1 are related to an increased risk for schwannomas and autosomal recessive Noonan syndrome; however, such associations with autosomal dominant Noonan syndrome have not been observed (Piotrowski A et al. Nat Genet. 2014 Feb;46:182-7; Yamamoto GL et al. J Med Genet. 2015 Jun;52:413-21; Johnston JJ et al. Genet Med. 2018 10;20:1175-1185). Based on the supporting evidence, this variant is pathogenic for an increased risk of LZTR1-related schwannomatosis (SWN) and would be expected to cause autosomal recessive Noonan syndrome when present along with a second pathogenic or likely pathogenic variant on the other allele; however, the association of this alteration with autosomal dominant Noonan syndrome is unlikely.

Labcorp Genetics (formerly Invitae), Labcorp
Classification: Pathogenic. Last evaluated: 2024-07-17. Review status: criteria provided, single submitter. Criteria: Invitae Variant Classification Sherloc (09022015). Collection method: clinical testing. Allele origin: germline.
Comment: This sequence change creates a premature translational stop signal (p.Arg284Alafs*10) in the LZTR1 gene. It is expected to result in an absent or disrupted protein product. Loss-of-function variants in LZTR1 are known to be pathogenic (PMID: 24362817, 25335493, 25480913, 25795793, 29469822, 30368668, 30442762, 30442766, 30481304, 30859559). This variant is not present in population databases (gnomAD no frequency). This variant has not been reported in the literature in individuals affected with LZTR1-related conditions. For these reasons, this variant has been classified as Pathogenic.

Literature cited by the submitters: PubMed 24362817 (cited by Labcorp Genetics (formerly Invitae), Labcorp); PubMed 25335493 (cited by Labcorp Genetics (formerly Invitae), Labcorp); PubMed 25480913 (cited by Labcorp Genetics (formerly Invitae), Labcorp); PubMed 25795793 (cited by Labcorp Genetics (formerly Invitae), Labcorp); PubMed 29469822 (cited by Labcorp Genetics (formerly Invitae), Labcorp); PubMed 30368668 (cited by Labcorp Genetics (formerly Invitae), Labcorp); PubMed 30442762 (cited by Labcorp Genetics (formerly Invitae), Labcorp); PubMed 30442766 (cited by Labcorp Genetics (formerly Invitae), Labcorp); PubMed 30481304 (cited by Labcorp Genetics (formerly Invitae), Labcorp); PubMed 30859559 (cited by Labcorp Genetics (formerly Invitae), Labcorp).

NM_006767.4(LZTR1):c.849dup (p.Arg284fs)

Gene: LZTR1 (leucine zipper like post translational regulator 1; plus strand). Cytogenetic location: 22q11.21.
Variant type: Duplication.
Coding change: c.849dup on transcript NM_006767.4 (MANE Select); coding-DNA position 849, one base duplicated (G; older notation c.849dupG).
Protein change: p.Arg284fs; shifts the reading frame from arginine 284.
Molecular consequence: frameshift variant.
Genome position (GRCh38, 1-based): chr22:20,991,685, G duplicated; the last of 2 consecutive G bases (chr22:20,991,684-20,991,685); duplicating either gives the same sequence. VCF-style (leftmost placement, unchanged base first): chr22-20991683-C-CG. GRCh37 (hg19) VCF-style: chr22-21345972-C-CG.
Other names: c.849dupG (NM_006767.3); short protein forms R284fs.
Identifiers: ClinVar variation 3689456 (VCV003689456.3).
Genomic context (GRCh38, chr22:20,991,683, plus strand): 5'-CCCAGGTGGACACGCATCCCAACTGAACACCTGCTCCGGGGCTCCCCACCACCCCCGCAG[C>CG]GGCGCTACGGGCATACCATGGTGGCCTTTGACCGCCACCTCTATGTGTTTGGGGGTGCGG-3'